The following is an entry in ClinVar:

ClinVar aggregate classification (germline): Likely pathogenic (1 of 4 stars; one submission).

Conditions:
Osteogenesis imperfecta type I (OI1). Also called: Lobstein's Disease; Lobstein disease; Classic Non-deforming Osteogenesis Imperfecta with Blue Sclerae; OI, TYPE I; OSTEOGENESIS IMPERFECTA TARDA; OSTEOGENESIS IMPERFECTA WITH BLUE SCLERAE. Identifiers: Orphanet 216796, Orphanet 666, MedGen C0023931, MONDO:0008146, OMIM 166200. Disease mechanism: loss of function.

Submission:

Kasturba Medical College, Manipal, Kasturba Medical College, Manipal, Manipal Academy of Higher Education, Manipal, India
Classification: Likely pathogenic for Osteogenesis imperfecta type I. Review status: criteria provided, single submitter. Criteria: ACMG Guidelines, 2015. Collection method: research. Allele origin: maternal. Inheritance: Autosomal dominant inheritance. Affected: yes.
Comment: The variant is absent in gnomAD (v4.1.0) and in our in-house database of 3673 exomes. In-silico analysis tools (REVEL and CADD_phred) predict the variant as disease-causing and likely to affect the COL1A1 function. A different nucleotide change at the same position, c.1663C>T p.(Pro555Ser) has been reported in ClinVar as variant of uncertain significance by one submitter (VCV001702168.3). A different amino acid change at the same position, c.1664C>G p.(Pro555Arg), has been previously reported in association with osteogenesis imperfecta, type 1 (Pollitt et al., 2006; VCV001303083.10).

Literature cited by the submitters: PubMed 16786509.

NM_000088.4(COL1A1):c.1663C>A (p.Pro555Thr)

Gene: COL1A1 (collagen type I alpha 1 chain; minus strand). Cytogenetic location: 17q21.33.
Variant type: single nucleotide variant.
Coding change: c.1663C>A on transcript NM_000088.4 (MANE Select); coding-DNA position 1663, C replaced by A.
Protein change: p.Pro555Thr; replaces proline 555 with threonine.
Molecular consequence: missense variant.
Genome position (GRCh38, 1-based): chr17:50,194,135, G>T on the plus strand (C>A on the coding strand, the complement: COL1A1 is on the minus strand). VCF-style: chr17-50194135-G-T. GRCh37 (hg19) VCF-style: chr17-48271496-G-T.
Other names: short protein forms P555T.
Identifiers: ClinVar variation 4526692 (VCV004526692.1).